The following is an entry in ClinVar:

NM_000553.6(WRN):c.962A>G (p.Glu321Gly)

Gene: WRN (WRN RecQ like helicase; plus strand). Cytogenetic location: 8p12.
Variant type: single nucleotide variant.
Coding change: c.962A>G on transcript NM_000553.6 (MANE Select); coding-DNA position 962, A replaced by G.
Protein change: p.Glu321Gly; replaces glutamic acid 321 with glycine.
Molecular consequence: missense variant.
Genome position (GRCh38, 1-based): chr8:31,080,989, A>G. VCF-style: chr8-31080989-A-G. GRCh37 (hg19) VCF-style: chr8-30938505-A-G.
Other names: short protein forms E321G.
Identifiers: ClinVar variation 1022816 (VCV001022816.3), dbSNP rs1813282417, ClinGen allele CA370920042.

ClinVar aggregate classification (germline): Uncertain significance (1 of 4 stars; one submission).

Conditions:
Werner syndrome (WRN). Identifiers: Orphanet 902, MedGen C0043119, MONDO:0010196, OMIM 277700.

Submission:

Labcorp Genetics (formerly Invitae), Labcorp
Classification: Uncertain significance for Werner syndrome. Last evaluated: 2023-02-09. Review status: criteria provided, single submitter. Criteria: Invitae Variant Classification Sherloc (09022015). Collection method: clinical testing. Allele origin: germline.
Comment: In summary, the available evidence is currently insufficient to determine the role of this variant in disease. Therefore, it has been classified as a Variant of Uncertain Significance. Algorithms developed to predict the effect of missense changes on protein structure and function output the following: SIFT: "Not Available"; PolyPhen-2: "Benign"; Align-GVGD: "Not Available". The glycine amino acid residue is found in multiple mammalian species, which suggests that this missense change does not adversely affect protein function. ClinVar contains an entry for this variant (Variation ID: 1022816). This variant has not been reported in the literature in individuals affected with WRN-related conditions. This variant is not present in population databases (gnomAD no frequency). This sequence change replaces glutamic acid, which is acidic and polar, with glycine, which is neutral and non-polar, at codon 321 of the WRN protein (p.Glu321Gly).